The following is an entry in ClinVar:

NM_001080467.3(MYO5B):c.370A>G (p.Ile124Val)

Gene: MYO5B (myosin VB; minus strand). Cytogenetic location: 18q21.1.
Variant type: single nucleotide variant.
Coding change: c.370A>G on transcript NM_001080467.3 (MANE Select); coding-DNA position 370, A replaced by G.
Protein change: p.Ile124Val; replaces isoleucine 124 with valine.
Molecular consequence: missense variant.
Genome position (GRCh38, 1-based): chr18:50,036,935, T>C on the plus strand (A>G on the coding strand, the complement: MYO5B is on the minus strand). VCF-style: chr18-50036935-T-C. GRCh37 (hg19) VCF-style: chr18-47563305-T-C.
Other names: short protein forms I124V.
Identifiers: ClinVar variation 1904928 (VCV001904928.5), dbSNP rs2511263037, ClinGen allele CA402510036.
Genomic context (GRCh38, chr18:50,036,935, plus strand): 5'-CTGCCACAGCAAAGATGTGGGGGTCCATGTCTCCCATGTTTTGGCCACTGTAGGTATAGA[T>C]GACATCTTGTCCATAGATTGGCAACTGTTCATAAGGATTAATGGCAACAAGTACGATACC-3'
Protein context (NP_001073936.1, residues 114-134): EQLPIYGQDV[Ile124Val]YTYSGQNMGD

ClinVar aggregate classification (germline): Uncertain significance (1 of 4 stars; one submission).

gnomAD v4.1: 4 of 1,614,170 alleles (0.00025%); highest among the groups gnomAD compares: Middle Eastern, 0.016%; no homozygotes.

Submission:

Labcorp Genetics (formerly Invitae), Labcorp
Classification: Uncertain significance. Last evaluated: 2022-01-02. Review status: criteria provided, single submitter. Criteria: Invitae Variant Classification Sherloc (09022015). Collection method: clinical testing. Allele origin: germline.
Comment: In summary, the available evidence is currently insufficient to determine the role of this variant in disease. Therefore, it has been classified as a Variant of Uncertain Significance. Algorithms developed to predict the effect of missense changes on protein structure and function are either unavailable or do not agree on the potential impact of this missense change (SIFT: "Deleterious"; PolyPhen-2: "Possibly Damaging"; Align-GVGD: "Class C0"). This variant has not been reported in the literature in individuals affected with MYO5B-related conditions. This variant is not present in population databases (gnomAD no frequency). This sequence change replaces isoleucine, which is neutral and non-polar, with valine, which is neutral and non-polar, at codon 124 of the MYO5B protein (p.Ile124Val).